The following is an entry in ClinVar:

ClinVar aggregate classification (germline): Benign. Review status: criteria provided, single submitter (1 of 4 stars). 2 submissions from 2 submitters: Benign (1). 1 of the submissions does not count toward it. Last evaluated 2019-07-12.

Conditions:
Focal segmental glomerulosclerosis and dilated cardiomyopathy. Identifiers: MedGen C4016633.
MELAS syndrome (MELAS). Also called: Juvenile myopathy, encephalopathy, lactic acidosis, stroke. Identifiers: Orphanet 550, MedGen C0162671, MONDO:0010789, OMIM 540000.

Submissions (2):

Wong Mito Lab, Molecular and Human Genetics, Baylor College of Medicine
Classification: Benign for MELAS syndrome. Last evaluated: 2019-07-12. Review status: criteria provided, single submitter. Criteria: Modified ACMG Guidelines (Unpublished). Collection method: clinical testing. Allele origin: germline.
Comment: The NC_012920.1:m.5843A>G variant in MT-TY gene is interpreted to be a Benign variant based on the modified ACMG guidelines (unpublished). This variant meets the following evidence codes reported in the guidelines: BS1, BS2, BP4

OMIM
Classification: Pathogenic for FOCAL SEGMENTAL GLOMERULOSCLEROSIS AND DILATED CARDIOMYOPATHY. Last evaluated: 2003-12-01. Review status: no assertion criteria provided. Collection method: literature only. Allele origin: germline. Not counted in ClinVar's aggregate classification.

Literature cited by the submitters: PubMed 31965079 (cited by Wong Mito Lab, Molecular and Human Genetics, Baylor College of Medicine); PubMed 14598342 (cited by OMIM).

NC_012920.1(MT-TY):m.5843A>G

Gene: MT-TY (mitochondrially encoded tRNA tyrosine; minus strand).
Variant type: single nucleotide variant.
Genome position: chrM-5843-A-G.
Other names: 5843A-G.
Identifiers: ClinVar variation 9553 (VCV000009553.2), dbSNP rs118203894, ClinGen allele CA120539.
Genomic context (GRCh38, chrMT:5,843, plus strand): 5'-GCTTCTTCGAATTTGCAATTCAATATGAAAATCACCTCGGAGCTGGTAAAAAGAGGCCTA[A>G]CCCCTGTCTTTAGATTTACAGTCCAATGCTTCACTCAGCCATTTTACCTCACCCCCACTG-3'